The following is an entry in ClinVar:

NM_001165963.4(SCN1A):c.4009G>C (p.Val1337Leu)

Genes: SCN1A (sodium voltage-gated channel alpha subunit 1; minus strand), LOC102724058 (uncharacterized LOC102724058; plus strand). Cytogenetic location: 2q24.3.
Variant type: single nucleotide variant.
Coding change: c.4009G>C on transcript NM_001165963.4 (MANE Select); coding-DNA position 4009, G replaced by C.
Protein change: p.Val1337Leu; replaces valine 1337 with leucine.
Molecular consequence: missense variant. On other transcripts: non-coding transcript variant (1).
Genome position (GRCh38, 1-based): chr2:166,002,747, C>G on the plus strand (G>C on the coding strand, the complement: SCN1A is on the minus strand). VCF-style: chr2-166002747-C-G. GRCh37 (hg19) VCF-style: chr2-166859257-C-G.
Other names: c.3925G>C, p.Val1309Leu (NM_001165964.3, NM_001353957.2, NM_001353958.2); c.4009G>C, p.Val1337Leu (NM_001202435.3, NM_001353948.2); c.3976G>C, p.Val1326Leu (NM_001353949.2, NM_001353950.2, NM_001353951.2 and 2 more transcripts); c.3973G>C, p.Val1325Leu (NM_001353954.2, NM_001353955.2); c.3922G>C, p.Val1308Leu (NM_001353960.2); c.1567G>C, p.Val523Leu (NM_001353961.2); short protein forms V1308L, V1309L, V1325L, V1326L, V1337L, V523L.
Identifiers: ClinVar variation 3774817 (VCV003774817.1).

ClinVar aggregate classification (germline): Uncertain significance (1 of 4 stars; one submission).

Submission:

GeneDx
Classification: Uncertain significance. Last evaluated: 2024-09-26. Review status: criteria provided, single submitter. Criteria: GeneDx Variant Classification Process June 2021. Collection method: clinical testing. Allele origin: germline. Affected: yes.
Comment: This substitution is predicted to be within the intracellular loop between the S4 and S5 transmembrane segments of the third homologous domain; Not observed at significant frequency in large population cohorts (gnomAD); In silico analysis supports that this missense variant has a deleterious effect on protein structure/function; Has not been previously published as pathogenic or benign to our knowledge